The following is an entry in ClinVar:

NM_001453.3(FOXC1):c.1090C>T (p.Pro364Ser)

Gene: FOXC1 (forkhead box C1; plus strand). Cytogenetic location: 6p25.3.
Variant type: single nucleotide variant.
Coding change: c.1090C>T on transcript NM_001453.3 (MANE Select); coding-DNA position 1090, C replaced by T.
Protein change: p.Pro364Ser; replaces proline 364 with serine.
Molecular consequence: missense variant.
Genome position (GRCh38, 1-based): chr6:1,611,535, C>T. VCF-style: chr6-1611535-C-T. GRCh37 (hg19) VCF-style: chr6-1611770-C-T.
Other names: short protein forms P364S.
Identifiers: ClinVar variation 1344734 (VCV001344734.6), dbSNP rs867806300, ClinGen allele CA133390996.

ClinVar aggregate classification (germline): Uncertain significance. Review status: criteria provided, single submitter (1 of 4 stars). 2 submissions from 2 submitters: Uncertain significance (1). 1 of the submissions does not count toward it. Last evaluated 2025-10-18.

Conditions:
Axenfeld-Rieger syndrome type 3 (RIEG3). Also called: AXENFELD-RIEGER ANOMALY WITH CARDIAC DEFECTS AND/OR SENSORINEURAL HEARING LOSS. Identifiers: Orphanet 782, MedGen C2678503, MONDO:0011233, OMIM 602482.
Congenital anomaly of kidney and urinary tract. Also called: Congenital anomalies of the kidney and urinary tract; Congenital anomalies of kidney and urinary tract. Identifiers: Orphanet 93545, MedGen C1968949, MeSH C566906, MONDO:0019719.

Allele frequency attached by ClinVar (database versions not stated): gnomAD 0.00001 and 0.00003; TOPMed 0.00001.
gnomAD v4.1: 20 of 1,291,806 alleles (0.0015%); highest among the groups gnomAD compares: Middle Eastern, 0.15%; no homozygotes.

Submissions (2):

Labcorp Genetics (formerly Invitae), Labcorp
Classification: Uncertain significance for Axenfeld-Rieger syndrome type 3. Last evaluated: 2025-10-18. Review status: criteria provided, single submitter. Criteria: Invitae Variant Classification Sherloc (09022015). Collection method: clinical testing. Allele origin: germline.
Comment: This sequence change replaces proline, which is neutral and non-polar, with serine, which is neutral and polar, at codon 364 of the FOXC1 protein (p.Pro364Ser). The frequency data for this variant in the population databases is considered unreliable, as metrics indicate poor data quality at this position in the gnomAD database. This missense change has been observed in individuals with congenital anomalies of the kidney and urinary tract (PMID: 32475988). ClinVar contains an entry for this variant (Variation ID: 1344734). An algorithm developed to predict the effect of missense changes on protein structure and function (PolyPhen-2) suggests that this variant is likely to be tolerated. In summary, the available evidence is currently insufficient to determine the role of this variant in disease. Therefore, it has been classified as a Variant of Uncertain Significance.

Yale Center for Mendelian Genomics, Yale University
Classification: Likely pathogenic for Congenital anomaly of kidney and urinary tract. Last evaluated: 2020-06-01. Review status: no assertion criteria provided. Collection method: literature only. Allele origin: germline. Affected: yes. Observed: 2 heterozygotes. Study: Yale Center for Mendelian Genomics. Not counted in ClinVar's aggregate classification.

Literature cited by the submitters: PubMed 32475988 (cited by Labcorp Genetics (formerly Invitae), Labcorp and Yale Center for Mendelian Genomics, Yale University).